The following is an entry in ClinVar:

ClinVar aggregate classification (germline): Uncertain significance. Review status: criteria provided, single submitter (1 of 4 stars). 2 submissions from 1 submitter: Uncertain significance (1). 1 of the submissions does not count toward it. Last evaluated 2022-12-17.

gnomAD v4.1: 1 of 1,614,164 alleles (0.000062%); highest among the groups gnomAD compares: Non-Finnish European, 0.000085%; no homozygotes.

Submissions (2):

Dubai Health Genomic Medicine Center, Dubai Health
Classification: Uncertain significance. Last evaluated: 2022-12-17. Review status: criteria provided, single submitter. Criteria: ACMG Guidelines, 2015. Collection method: clinical testing. Allele origin: germline. Affected: yes.

Dubai Health Genomic Medicine Center, Dubai Health
Classification: Uncertain significance. Last evaluated: 2020-06-25. Review status: flagged submission. Criteria: ACMG Guidelines, 2015. Collection method: clinical testing. Allele origin: germline. Affected: yes. Not counted in ClinVar's aggregate classification.
Comment: The p.Gly5797Glu missense variant in SYNE1 (NM_033071.3) has not been previously reported in individuals with disease and was absent from large population studies such as the Genome Aggregation Database (gnomAD) and the Greater Middle East (GME) Variome Database. Computational prediction tools and conservation analyses suggest an impact to protein function though this information is not predcitive enough to confirm pathogenicity. In summary additional information is needed to fully assess the clinical significance of this variant.
ClinVar note: Reason: This record appears to be redundant with a more recent record from the same submitter.
ClinVar note: Notes: SCV001984602 appears to be redundant with SCV002775008.

NM_182961.4(SYNE1):c.17603G>A (p.Gly5868Glu)

Gene: SYNE1 (spectrin repeat containing nuclear envelope protein 1; minus strand). Cytogenetic location: 6q25.2.
Variant type: single nucleotide variant.
Coding change: c.17603G>A on transcript NM_182961.4 (MANE Select); coding-DNA position 17603, G replaced by A.
Protein change: p.Gly5868Glu; replaces glycine 5868 with glutamic acid.
Molecular consequence: missense variant.
Genome position (GRCh38, 1-based): chr6:152,300,720, C>T on the plus strand (G>A on the coding strand, the complement: SYNE1 is on the minus strand). VCF-style: chr6-152300720-C-T. GRCh37 (hg19) VCF-style: chr6-152621855-C-T.
Other names: c.17390G>A, p.Gly5797Glu (NM_033071.5); short protein forms G5797E, G5868E.
Identifiers: ClinVar variation 1301794 (VCV001301794.3), dbSNP rs2153809671, ClinGen allele CA366103431.